The following is an entry in ClinVar:

ClinVar aggregate classification (germline): Uncertain significance. Review status: criteria provided, multiple submitters, no conflicts (2 of 4 stars). 3 submissions from 3 submitters: Uncertain significance (3). Last evaluated 2025-10-23.

Conditions:
Hereditary cancer-predisposing syndrome. Also called: Hereditary neoplastic syndrome; Hereditary Cancer Syndrome; Tumor predisposition; Neoplastic Syndromes, Hereditary. Identifiers: Orphanet 140162, MedGen C0027672, MeSH D009386, MONDO:0015356.
Hereditary breast ovarian cancer syndrome. Also called: Hereditary breast and ovarian cancer syndrome; Hereditary breast and/or ovarian cancer syndrome; BRCA1- and BRCA2-Associated Hereditary Breast and Ovarian Cancer; Hereditary breast and ovarian cancer syndrome (HBOC); Breast and ovarian cancer; Hereditary breast and ovarian cancer. Identifiers: Orphanet 145, MedGen C0677776, MeSH D061325, MONDO:0003582. Disease mechanism: loss of function.

Allele frequency attached by ClinVar (database versions not stated): gnomAD 0.00001.
gnomAD v4.1: 1 of 1,613,062 alleles (0.000062%); highest among the groups gnomAD compares: South Asian, 0.0011%; no homozygotes.

Submissions (3):

Ambry Genetics
Classification: Uncertain significance for Hereditary cancer-predisposing syndrome. Last evaluated: 2025-10-23. Review status: criteria provided, single submitter. Criteria: Ambry Variant Classification Scheme 2023. Collection method: clinical testing. Allele origin: germline.
Comment: The p.E238G variant (also known as c.713A>G), located in coding exon 8 of the BRCA2 gene, results from an A to G substitution at nucleotide position 713. The glutamic acid at codon 238 is replaced by glycine, an amino acid with similar properties. This amino acid position is conserved. In addition, this alteration is predicted to be tolerated by in silico analysis. Since supporting evidence is limited at this time, the clinical significance of this alteration remains unclear.

Color Diagnostics, LLC DBA Color Health
Classification: Uncertain significance for Hereditary cancer-predisposing syndrome. Last evaluated: 2023-05-30. Review status: criteria provided, single submitter. Criteria: ACMG Guidelines, 2015. Collection method: clinical testing. Allele origin: germline.
Comment: This missense variant replaces glutamic acid with glycine at codon 238 of the BRCA2 protein. Computational prediction suggests that this variant may not impact protein structure and function (internally defined REVEL score threshold <= 0.5, PMID: 27666373). To our knowledge, functional studies have not been reported for this variant. This variant has not been reported in individuals affected with BRCA2-related disorders in the literature. This variant has not been identified in the general population by the Genome Aggregation Database (gnomAD). The available evidence is insufficient to determine the role of this variant in disease conclusively. Therefore, this variant is classified as a Variant of Uncertain Significance.

Labcorp Genetics (formerly Invitae), Labcorp
Classification: Uncertain significance for Hereditary breast ovarian cancer syndrome. Last evaluated: 2021-02-15. Review status: criteria provided, single submitter. Criteria: Invitae Variant Classification Sherloc (09022015). Collection method: clinical testing. Allele origin: germline.
Comment: In summary, the available evidence is currently insufficient to determine the role of this variant in disease. Therefore, it has been classified as a Variant of Uncertain Significance. Algorithms developed to predict the effect of missense changes on protein structure and function (SIFT, PolyPhen-2, Align-GVGD) all suggest that this variant is likely to be tolerated, but these predictions have not been confirmed by published functional studies and their clinical significance is uncertain. This variant has not been reported in the literature in individuals with BRCA2-related conditions. This variant is not present in population databases (ExAC no frequency). This sequence change replaces glutamic acid with glycine at codon 238 of the BRCA2 protein (p.Glu238Gly). The glutamic acid residue is moderately conserved and there is a moderate physicochemical difference between glutamic acid and glycine.

NM_000059.4(BRCA2):c.713A>G (p.Glu238Gly)

Gene: BRCA2 (BRCA2 DNA repair associated; plus strand). Cytogenetic location: 13q13.1.
Variant type: single nucleotide variant.
Coding change: c.713A>G on transcript NM_000059.4 (MANE Select); coding-DNA position 713, A replaced by G.
Protein change: p.Glu238Gly; replaces glutamic acid 238 with glycine.
Molecular consequence: missense variant.
Genome position (GRCh38, 1-based): chr13:32,330,950, A>G. VCF-style: chr13-32330950-A-G. GRCh37 (hg19) VCF-style: chr13-32905087-A-G.
Other names: c.713A>G (NM_000059.3); short protein forms E238G.
Identifiers: ClinVar variation 1520177 (VCV001520177.11), dbSNP rs2072385381, ClinGen allele CA387759955.